The following is an entry in ClinVar:

NM_021076.4(NEFH):c.1925C>A (p.Thr642Lys)

Gene: NEFH (neurofilament heavy chain; plus strand). Cytogenetic location: 22q12.2.
Variant type: single nucleotide variant.
Coding change: c.1925C>A on transcript NM_021076.4 (MANE Select); coding-DNA position 1925, C replaced by A.
Protein change: p.Thr642Lys; replaces threonine 642 with lysine.
Molecular consequence: missense variant.
Genome position (GRCh38, 1-based): chr22:29,489,565, C>A. VCF-style: chr22-29489565-C-A. GRCh37 (hg19) VCF-style: chr22-29885554-C-A.
Other names: short protein forms T642K.
Identifiers: ClinVar variation 1525110 (VCV001525110.6), dbSNP rs117258406, ClinGen allele CA411132529.

ClinVar aggregate classification (germline): Uncertain significance (1 of 4 stars; one submission).

Submission:

Labcorp Genetics (formerly Invitae), Labcorp
Classification: Uncertain significance. Last evaluated: 2021-08-07. Review status: criteria provided, single submitter. Criteria: Invitae Variant Classification Sherloc (09022015). Collection method: clinical testing. Allele origin: germline.
Comment: This variant has not been reported in the literature in individuals affected with NEFH-related conditions. This sequence change replaces threonine with lysine at codon 642 of the NEFH protein (p.Thr642Lys). The threonine residue is weakly conserved and there is a moderate physicochemical difference between threonine and lysine. This variant is not present in population databases (ExAC no frequency). Advanced modeling of protein sequence and biophysical properties (such as structural, functional, and spatial information, amino acid conservation, physicochemical variation, residue mobility, and thermodynamic stability) performed at Invitae indicates that this missense variant is not expected to disrupt NEFH protein function. In summary, the available evidence is currently insufficient to determine the role of this variant in disease. Therefore, it has been classified as a Variant of Uncertain Significance.